The following is an entry in ClinVar:

ClinVar aggregate classification (germline): Pathogenic (1 of 4 stars; one submission).

Conditions:
Hereditary cancer-predisposing syndrome. Also called: Neoplastic Syndromes, Hereditary; Hereditary Cancer Syndrome; Tumor predisposition; Hereditary neoplastic syndrome. Identifiers: Orphanet 140162, MedGen C0027672, MeSH D009386, MONDO:0015356.

Submission:

Ambry Genetics
Classification: Pathogenic for Hereditary cancer-predisposing syndrome. Last evaluated: 2017-05-24. Review status: criteria provided, single submitter. Criteria: Ambry Variant Classification Scheme 2023. Collection method: clinical testing. Allele origin: germline.
Comment: The c.7599_7600dupAG pathogenic mutation, located in coding exon 50 of the ATM gene, results from a duplication of AG at nucleotide position 7599, causing a translational frameshift with a predicted alternate stop codon (p.G2534Efs*3). This alteration is expected to result in loss of function by premature protein truncation or nonsense-mediated mRNA decay. As such, this alteration is interpreted as a disease-causing mutation.

NM_000051.4(ATM):c.7599_7600dup (p.Gly2534fs)

Genes: ATM (ATM serine/threonine kinase; plus strand), C11orf65 (chromosome 11 open reading frame 65; minus strand). Cytogenetic location: 11q22.3.
Variant type: Duplication.
Coding change: c.7599_7600dup on transcript NM_000051.4 (MANE Select); coding-DNA positions 7599 to 7600, 2 bases duplicated (AG; older notation c.7599_7600dupAG).
Protein change: p.Gly2534fs; shifts the reading frame from glycine 2534.
Molecular consequence: frameshift variant. On other transcripts: non-coding transcript variant (1), intron variant (2).
Genome position (GRCh38, 1-based): chr11:108,331,527-108,331,528, AG duplicated; duplicating any 2 consecutive bases within chr11:108,331,526-108,331,528 gives the same sequence; the c. name uses the placement nearest the transcript's 3' end. VCF-style (leftmost placement, unchanged base first): chr11-108331525-G-GGA. GRCh37 (hg19) VCF-style: chr11-108202252-G-GGA.
Other names: c.7599_7600dup, p.Gly2534fs (NM_001351834.2); c.641-22456_641-22455dup (NM_001330368.2); c.*38+3693_*38+3694dup (NM_001351110.2); c.7599_7600dupAG (NM_000051.3); short protein forms G2534fs.
Identifiers: ClinVar variation 481346 (VCV000481346.7), dbSNP rs1555124089, ClinGen allele CA658656294.